The following is an entry in ClinVar:

NM_001164277.2(SLC37A4):c.1175G>A (p.Ser392Asn)

Gene: SLC37A4 (solute carrier family 37 member 4; minus strand). Cytogenetic location: 11q23.3.
Variant type: single nucleotide variant.
Coding change: c.1175G>A on transcript NM_001164277.2 (MANE Select); coding-DNA position 1175, G replaced by A.
Protein change: p.Ser392Asn; replaces serine 392 with asparagine.
Molecular consequence: missense variant.
Genome position (GRCh38, 1-based): chr11:119,025,025, C>T on the plus strand (G>A on the coding strand, the complement: SLC37A4 is on the minus strand). VCF-style: chr11-119025025-C-T. GRCh37 (hg19) VCF-style: chr11-118895735-C-T.
Other names: c.956G>A, p.Ser319Asn (NM_001164279.2); c.1175G>A, p.Ser392Asn (NM_001164280.2, NM_001467.6); c.1241G>A, p.Ser414Asn (NM_001164278.2); c.1175G>A (NM_001467.5); short protein forms S392N, S414N, S319N.
Identifiers: ClinVar variation 551534 (VCV000551534.12), dbSNP rs1035199340, ClinGen allele CA229595829.

ClinVar aggregate classification (germline): Uncertain significance. Review status: criteria provided, multiple submitters, no conflicts (2 of 4 stars). 5 submissions from 5 submitters: Uncertain significance (3). 2 of the submissions do not count toward it. Last evaluated 2025-09-17.

Conditions:
Inborn genetic diseases. Identifiers: MedGen C0950123, MeSH D030342.
Congenital disorder of glycosylation, type IIw. Identifiers: MedGen C5561986, MONDO:0030437, OMIM 619525.
Phosphate transport defect (GSD1C). Also called: GSD Ic; GLYCOGEN STORAGE DISEASE Ic. Identifiers: Orphanet 364, Orphanet 79259, MedGen C0342749, OMIM 232240.
Glucose-6-phosphate transport defect (GSD1B). Also called: Glycogen Storage Disease Type Ib; GSD Ib. Identifiers: Orphanet 364, Orphanet 79259, MedGen C0268146, MONDO:0009288, OMIM 232220.

Allele frequency attached by ClinVar (database versions not stated): gnomAD 0.00002; TOPMed 0.00007.

Submissions (5):

Ambry Genetics
Classification: Uncertain significance for Inborn genetic diseases. Last evaluated: 2025-09-17. Review status: criteria provided, single submitter. Criteria: Ambry Variant Classification Scheme 2023. Collection method: clinical testing. Allele origin: germline.
Comment: The p.S392N variant (also known as c.1175G>A), located in coding exon 8 of the SLC37A4 gene, results from a G to A substitution at nucleotide position 1175. The serine at codon 392 is replaced by asparagine, an amino acid with highly similar properties. This amino acid position is conserved. In addition, this alteration is predicted to be tolerated by in silico analysis. Based on the available evidence, the clinical significance of this variant remains unclear.

Labcorp Genetics (formerly Invitae), Labcorp
Classification: Uncertain significance for Glucose-6-phosphate transport defect. Last evaluated: 2025-07-19. Review status: criteria provided, single submitter. Criteria: Invitae Variant Classification Sherloc (09022015). Collection method: clinical testing. Allele origin: germline.
Comment: This sequence change replaces serine, which is neutral and polar, with asparagine, which is neutral and polar, at codon 392 of the SLC37A4 protein (p.Ser392Asn). This variant is not present in population databases (gnomAD no frequency). This variant has not been reported in the literature in individuals affected with SLC37A4-related conditions. ClinVar contains an entry for this variant (Variation ID: 551534). Invitae Evidence Modeling of protein sequence and biophysical properties (such as structural, functional, and spatial information, amino acid conservation, physicochemical variation, residue mobility, and thermodynamic stability) indicates that this missense variant is not expected to disrupt SLC37A4 protein function with a negative predictive value of 80%. In summary, the available evidence is currently insufficient to determine the role of this variant in disease. Therefore, it has been classified as a Variant of Uncertain Significance.

Fulgent Genetics
Classification: Uncertain significance for Glucose-6-phosphate transport defect; Phosphate transport defect; Congenital disorder of glycosylation, type IIw. Last evaluated: 2024-04-03. Review status: criteria provided, single submitter. Criteria: ACMG Guidelines, 2015. Collection method: clinical testing. Allele origin: germline.

Natera, Inc.
Classification: Uncertain significance for Glycogen storage disease type Ib. Last evaluated: 2020-04-16. Review status: no assertion criteria provided. Collection method: clinical testing. Allele origin: germline. Not counted in ClinVar's aggregate classification.

Counsyl
Classification: Uncertain significance for Glucose-6-phosphate transport defect. Last evaluated: 2017-04-14. Review status: no assertion criteria provided. Collection method: clinical testing. Allele origin: unknown. Not counted in ClinVar's aggregate classification.